The following is an entry in ClinVar:

NM_002769.5(PRSS1):c.521C>A (p.Ser174Tyr)

Genes: PRSS1 (serine protease 1; plus strand), TRB (T cell receptor beta locus; plus strand). Cytogenetic location: 7q34.
Variant type: single nucleotide variant.
Coding change: c.521C>A on transcript NM_002769.5 (MANE Select); coding-DNA position 521, C replaced by A.
Protein change: p.Ser174Tyr; replaces serine 174 with tyrosine.
Molecular consequence: missense variant. On other transcripts: non-coding transcript variant (5).
Genome position (GRCh38, 1-based): chr7:142,752,497, C>A. VCF-style: chr7-142752497-C-A. GRCh37 (hg19) VCF-style: chr7-142460348-C-A.
Other names: short protein forms S174Y.
Identifiers: ClinVar variation 3939046 (VCV003939046.1).

ClinVar aggregate classification (germline): Uncertain significance (1 of 4 stars; one submission).

Conditions:
Hereditary pancreatitis (PCTT). Also called: Hereditary chronic pancreatitis; PRSS1-Related Hereditary Pancreatitis. Identifiers: Orphanet 676, MedGen C0238339, MONDO:0008185, OMIM 167800.

Submission:

Ambry Genetics
Classification: Uncertain significance for Hereditary pancreatitis. Last evaluated: 2025-04-06. Review status: criteria provided, single submitter. Criteria: Ambry Variant Classification Scheme 2023. Collection method: clinical testing. Allele origin: germline.
Comment: The p.S174Y variant (also known as c.521C>A), located in coding exon 4 of the PRSS1 gene, results from a C to A substitution at nucleotide position 521. The serine at codon 174 is replaced by tyrosine, an amino acid with dissimilar properties. This amino acid position is conserved. In addition, the in silico prediction for this alteration is inconclusive. Based on the available evidence, the clinical significance of this variant remains unclear.